The following is an entry in ClinVar:

NM_005739.4(RASGRP1):c.1453G>A (p.Asp485Asn)

Gene: RASGRP1 (RAS guanyl releasing protein 1; minus strand). Cytogenetic location: 15q14.
Variant type: single nucleotide variant.
Coding change: c.1453G>A on transcript NM_005739.4 (MANE Select); coding-DNA position 1453, G replaced by A.
Protein change: p.Asp485Asn; replaces aspartic acid 485 with asparagine.
Molecular consequence: missense variant.
Genome position (GRCh38, 1-based): chr15:38,502,397, C>T on the plus strand (G>A on the coding strand, the complement: RASGRP1 is on the minus strand). VCF-style: chr15-38502397-C-T. GRCh37 (hg19) VCF-style: chr15-38794598-C-T.
Other names: c.1348G>A, p.Asp450Asn (NM_001128602.2, NM_001306086.2); short protein forms D485N, D450N.
Identifiers: ClinVar variation 2989320 (VCV002989320.1), dbSNP rs200353501, ClinGen allele CA7470890.

ClinVar aggregate classification (germline): Uncertain significance (1 of 4 stars; one submission).

Allele frequency attached by ClinVar (database versions not stated): gnomAD 0.00001; TOPMed 0.00001; ExAC 0.00002; 1000 Genomes Project 30x 0.00016; 1000 Genomes Project 0.00020.
gnomAD v4.1: 48 of 1,602,302 alleles (0.003%); highest among the groups gnomAD compares: Middle Eastern, 0.017%; no homozygotes.

Submission:

Labcorp Genetics (formerly Invitae), Labcorp
Classification: Uncertain significance. Last evaluated: 2023-12-07. Review status: criteria provided, single submitter. Criteria: Invitae Variant Classification Sherloc (09022015). Collection method: clinical testing. Allele origin: germline.
Comment: This sequence change replaces aspartic acid, which is acidic and polar, with asparagine, which is neutral and polar, at codon 485 of the RASGRP1 protein (p.Asp485Asn). This variant is present in population databases (rs200353501, gnomAD 0.02%). This variant has not been reported in the literature in individuals affected with RASGRP1-related conditions. Advanced modeling of protein sequence and biophysical properties (such as structural, functional, and spatial information, amino acid conservation, physicochemical variation, residue mobility, and thermodynamic stability) performed at Invitae indicates that this missense variant is not expected to disrupt RASGRP1 protein function with a negative predictive value of 80%. In summary, the available evidence is currently insufficient to determine the role of this variant in disease. Therefore, it has been classified as a Variant of Uncertain Significance.